The following is an entry in ClinVar:

NM_001375808.2(LPIN2):c.2450A>G (p.Tyr817Cys)

Gene: LPIN2 (lipin 2; minus strand). Cytogenetic location: 18p11.31.
Variant type: single nucleotide variant.
Coding change: c.2450A>G on transcript NM_001375808.2 (MANE Select); coding-DNA position 2450, A replaced by G.
Protein change: p.Tyr817Cys; replaces tyrosine 817 with cysteine.
Molecular consequence: missense variant.
Genome position (GRCh38, 1-based): chr18:2,920,874, T>C on the plus strand (A>G on the coding strand, the complement: LPIN2 is on the minus strand). VCF-style: chr18-2920874-T-C. GRCh37 (hg19) VCF-style: chr18-2920872-T-C.
Other names: c.2450A>G, p.Tyr817Cys (NM_001375809.1, NM_014646.2); short protein forms Y817C.
Identifiers: ClinVar variation 1470746 (VCV001470746.10), dbSNP rs759880645, ClinGen allele CA8872705.

ClinVar aggregate classification (germline): Uncertain significance. Review status: criteria provided, multiple submitters, no conflicts (2 of 4 stars). 3 submissions from 3 submitters: Uncertain significance (3). Last evaluated 2023-02-09.

Conditions:
Inborn genetic diseases. Identifiers: MedGen C0950123, MeSH D030342.
Majeed syndrome (MJDS). Also called: LPIN2-Related Majeed Syndrome; CHRONIC RECURRENT MULTIFOCAL OSTEOMYELITIS 1, WITH CONGENITAL DYSERYTHROPOIETIC ANEMIA, WITH OR WITHOUT NEUTROPHILIC DERMATOSIS. Identifiers: Orphanet 77297, MedGen C1864997, MONDO:0012316, OMIM 609628.

Allele frequency attached by ClinVar (database versions not stated): gnomAD exomes 0.00001 and 0.00006; gnomAD 0.00003 and 0.00004; TOPMed 0.00003; ExAC 0.00005.
gnomAD v4.1: 23 of 1,610,392 alleles (0.0014%); highest among the groups gnomAD compares: East Asian, 0.031%; no homozygotes.

Submissions (3):

Ambry Genetics
Classification: Uncertain significance for Inborn genetic diseases. Last evaluated: 2023-02-09. Review status: criteria provided, single submitter. Criteria: Ambry Variant Classification Scheme 2023. Collection method: clinical testing. Allele origin: germline.

Revvity Omics, Revvity
Classification: Uncertain significance for Majeed syndrome. Last evaluated: 2022-03-31. Review status: criteria provided, single submitter. Criteria: ACMG Guidelines, 2015. Collection method: clinical testing. Allele origin: germline.

Labcorp Genetics (formerly Invitae), Labcorp
Classification: Uncertain significance for Majeed syndrome. Last evaluated: 2022-01-27. Review status: criteria provided, single submitter. Criteria: Invitae Variant Classification Sherloc (09022015). Collection method: clinical testing. Allele origin: germline.
Comment: This sequence change replaces tyrosine, which is neutral and polar, with cysteine, which is neutral and slightly polar, at codon 817 of the LPIN2 protein (p.Tyr817Cys). This variant is present in population databases (rs759880645, gnomAD 0.06%). This variant has not been reported in the literature in individuals affected with LPIN2-related conditions. Algorithms developed to predict the effect of missense changes on protein structure and function (SIFT, PolyPhen-2, Align-GVGD) all suggest that this variant is likely to be disruptive. In summary, the available evidence is currently insufficient to determine the role of this variant in disease. Therefore, it has been classified as a Variant of Uncertain Significance.